The following is an entry in ClinVar:

ClinVar aggregate classification (germline): Pathogenic (1 of 4 stars; one submission).

Conditions:
Hypertrophic cardiomyopathy. Also called: HYPERTROPHIC MYOCARDIOPATHY. Identifiers: Orphanet 217569, MedGen C0007194, MeSH D002312, MONDO:0005045, HP:0001639.

Allele frequency attached by ClinVar (database versions not stated): TOPMed below 0.00001.

Submission:

Labcorp Genetics (formerly Invitae), Labcorp
Classification: Pathogenic for Hypertrophic cardiomyopathy. Last evaluated: 2026-01-05. Review status: criteria provided, single submitter. Criteria: Invitae Variant Classification Sherloc (09022015). Collection method: clinical testing. Allele origin: germline.
Comment: This sequence change affects an acceptor splice site in intron 15 of the MYBPC3 gene. It is expected to disrupt RNA splicing. Variants that disrupt the donor or acceptor splice site typically lead to a loss of protein function (PMID: 16199547), and loss-of-function variants in MYBPC3 are known to be pathogenic (PMID: 19574547). This variant is not present in population databases (gnomAD no frequency). Disruption of this splice site has been observed in individuals with hypertrophic cardiomyopathy (PMID: 15563892). This variant is also known as IVS15-1G>A. ClinVar contains an entry for this variant (Variation ID: 2137082). Algorithms developed to predict the effect of sequence changes on RNA splicing suggest that this variant may disrupt the consensus splice site. For these reasons, this variant has been classified as Pathogenic.

Literature cited by the submitters: PubMed 16199547; PubMed 19574547; PubMed 15563892.

NM_000256.3(MYBPC3):c.1352-1G>A

Gene: MYBPC3 (myosin binding protein C3; minus strand). Cytogenetic location: 11p11.2.
Variant type: single nucleotide variant.
Coding change: c.1352-1G>A on transcript NM_000256.3 (MANE Select); the canonical splice acceptor site of the intron before coding-DNA position 1352, G replaced by A.
Molecular consequence: splice acceptor variant.
Genome position (GRCh38, 1-based): chr11:47,342,936, C>T on the plus strand (G>A on the coding strand, the complement: MYBPC3 is on the minus strand). VCF-style: chr11-47342936-C-T. GRCh37 (hg19) VCF-style: chr11-47364487-C-T.
Identifiers: ClinVar variation 2137082 (VCV002137082.4), dbSNP rs1457904408, ClinGen allele CA380326528.